The following is an entry in ClinVar:

NM_002691.4(POLD1):c.1223C>T (p.Ser408Phe)

Gene: POLD1 (DNA polymerase delta 1, catalytic subunit; plus strand). Cytogenetic location: 19q13.33.
Variant type: single nucleotide variant.
Coding change: c.1223C>T on transcript NM_002691.4 (MANE Select); coding-DNA position 1223, C replaced by T.
Protein change: p.Ser408Phe; replaces serine 408 with phenylalanine.
Molecular consequence: missense variant. On other transcripts: non-coding transcript variant (1).
Genome position (GRCh38, 1-based): chr19:50,403,578, C>T. VCF-style: chr19-50403578-C-T. GRCh37 (hg19) VCF-style: chr19-50906835-C-T.
Other names: c.1223C>T, p.Ser408Phe (NM_001256849.1, NM_001308632.1); c.1223C>T (NM_002691.2); short protein forms S408F.
Identifiers: ClinVar variation 2763870 (VCV002763870.4), dbSNP rs1433696636, ClinGen allele CA406978616.

ClinVar aggregate classification (germline): Uncertain significance. Review status: criteria provided, multiple submitters, no conflicts (2 of 4 stars). 2 submissions from 2 submitters: Uncertain significance (2). Last evaluated 2024-02-29.

Conditions:
POLD1-related polyposis and colorectal cancer syndrome (CRCS10). Also called: Colorectal cancer 10; Colorectal cancer, susceptibility to, 10; COLORECTAL CANCER, SUSCEPTIBILITY TO, ON CHROMOSOME 19q. Identifiers: Orphanet 220460, MedGen C2675481, MONDO:0012953, OMIM 612591.
Hereditary cancer-predisposing syndrome. Also called: Tumor predisposition; Hereditary Cancer Syndrome; Hereditary neoplastic syndrome; Neoplastic Syndromes, Hereditary. Identifiers: Orphanet 140162, MedGen C0027672, MeSH D009386, MONDO:0015356.

gnomAD v4.1: 1 of 1,612,792 alleles (0.000062%); highest among the groups gnomAD compares: Non-Finnish European, 0.000085%; no homozygotes.

Submissions (2):

Ambry Genetics
Classification: Uncertain significance for Hereditary cancer-predisposing syndrome. Last evaluated: 2024-02-29. Review status: criteria provided, single submitter. Criteria: Ambry Variant Classification Scheme 2023. Collection method: clinical testing. Allele origin: germline.
Comment: The p.S408F variant (also known as c.1223C>T), located in coding exon 9 of the POLD1 gene, results from a C to T substitution at nucleotide position 1223. The serine at codon 408 is replaced by phenylalanine, an amino acid with highly dissimilar properties. This amino acid position is conserved. In addition, this alteration is predicted to be tolerated by in silico analysis. Based on the available evidence, the clinical significance of this alteration remains unclear.

Labcorp Genetics (formerly Invitae), Labcorp
Classification: Uncertain significance for POLD1-related polyposis and colorectal cancer syndrome. Last evaluated: 2023-10-03. Review status: criteria provided, single submitter. Criteria: Invitae Variant Classification Sherloc (09022015). Collection method: clinical testing. Allele origin: germline.
Comment: This sequence change replaces serine, which is neutral and polar, with phenylalanine, which is neutral and non-polar, at codon 408 of the POLD1 protein (p.Ser408Phe). This variant is not present in population databases (gnomAD no frequency). This variant has not been reported in the literature in individuals affected with POLD1-related conditions. Advanced modeling of protein sequence and biophysical properties (such as structural, functional, and spatial information, amino acid conservation, physicochemical variation, residue mobility, and thermodynamic stability) performed at Invitae indicates that this missense variant is not expected to disrupt POLD1 protein function. In summary, the available evidence is currently insufficient to determine the role of this variant in disease. Therefore, it has been classified as a Variant of Uncertain Significance.